The following is an entry in ClinVar:

ClinVar aggregate classification (germline): Benign/Likely benign. Review status: criteria provided, single submitter (1 of 4 stars). 2 submissions from 1 submitter: Benign (1); Likely benign (1). Last evaluated 2018-01-13.

Conditions:
Isolated focal cortical dysplasia type II (FCORD2). Also called: CORTICAL DYSPLASIA OF TAYLOR; Focal cortical dysplasia type II. Identifiers: Orphanet 268994, MedGen C1846385, MONDO:0011818, OMIM 607341, HP:0032051.
Tuberous sclerosis 1 (TSC1). Identifiers: Orphanet 805, MedGen C1854465, MONDO:0008612, OMIM 191100.

Allele frequency attached by ClinVar (database versions not stated): gnomAD 0.00004 and 0.00017; TOPMed 0.00005; gnomAD exomes 0.00010; 1000 Genomes Project 30x 0.00062; 1000 Genomes Project 0.00080.
gnomAD v4.1: 31 of 207,814 alleles (0.015%); highest among the groups gnomAD compares: South Asian, 0.4%; no homozygotes.

Submissions (2):

Illumina Laboratory Services, Illumina
Classification: Benign for Isolated focal cortical dysplasia type II. Last evaluated: 2018-01-13. Review status: criteria provided, single submitter. Criteria: ICSL Variant Classification Criteria 13 December 2019. Collection method: clinical testing. Allele origin: germline.
Comment: This variant was observed in the ICSL laboratory as part of a predisposition screen in an ostensibly healthy population. It had not been previously curated by ICSL or reported in the Human Gene Mutation Database (HGMD: prior to June 1st, 2018), and was therefore a candidate for classification through an automated scoring system. Utilizing variant allele frequency, disease prevalence and penetrance estimates, and inheritance mode, an automated score was calculated to assess if this variant is too frequent to cause the disease. Based on the score and internal cut-off values, a variant classified as benign is not then subjected to further curation. The score for this variant resulted in a classification of benign for this disease.

Illumina Laboratory Services, Illumina
Classification: Likely benign for Tuberous sclerosis 1. Last evaluated: 2018-01-13. Review status: criteria provided, single submitter. Criteria: ICSL Variant Classification Criteria 13 December 2019. Collection method: clinical testing. Allele origin: germline.
Comment: This variant was observed in the ICSL laboratory as part of a predisposition screen in an ostensibly healthy population. It had not been previously curated by ICSL or reported in the Human Gene Mutation Database (HGMD: prior to June 1st, 2018), and was therefore a candidate for classification through an automated scoring system. Utilizing variant allele frequency, disease prevalence and penetrance estimates, and inheritance mode, an automated score was calculated to assess if this variant is too frequent to cause the disease. Based on the score and internal cut-off values, a variant classified as likely benign is not then subjected to further curation. The score for this variant resulted in a classification of likely benign for this disease.

NM_000368.5(TSC1):c.*1508A>G

Gene: TSC1 (TSC complex subunit 1; minus strand). Cytogenetic location: 9q34.13.
Variant type: single nucleotide variant.
Coding change: c.*1508A>G on transcript NM_000368.5 (MANE Select); 1508 bases downstream of the stop codon, A replaced by G.
Molecular consequence: 3 prime UTR variant.
Genome position (GRCh38, 1-based): chr9:132,894,727, T>C on the plus strand (A>G on the coding strand, the complement: TSC1 is on the minus strand). VCF-style: chr9-132894727-T-C. GRCh37 (hg19) VCF-style: chr9-135770114-T-C.
Other names: c.*1508A>G (NM_001162426.2, NM_001162427.2, NM_001362177.2).
Identifiers: ClinVar variation 365475 (VCV000365475.5), dbSNP rs552190342, ClinGen allele CA10629338.